The following is an entry in ClinVar:

ClinVar aggregate classification (germline): Conflicting classifications of pathogenicity. Review status: criteria provided, conflicting classifications (1 of 4 stars). 3 submissions from 3 submitters: Likely pathogenic (1); Uncertain significance (1); Likely benign (1). Last evaluated 2026-01-20.

Conditions:
Chuvash polycythemia. Also called: POLYCYTHEMIA, VHL-DEPENDENT. Identifiers: Orphanet 238557, MedGen C1837915, MONDO:0009892, OMIM 263400.
Von Hippel-Lindau syndrome (VHLS). Also called: VHL syndrome; von Hippel–Lindau syndrome; Von Hippel-Lindau. Identifiers: Orphanet 892, MedGen C0019562, MONDO:0008667, OMIM 193300. Disease mechanism: loss of function.
Hereditary cancer-predisposing syndrome. Also called: Hereditary neoplastic syndrome; Tumor predisposition; Neoplastic Syndromes, Hereditary; Hereditary Cancer Syndrome. Identifiers: Orphanet 140162, MedGen C0027672, MeSH D009386, MONDO:0015356.

Allele frequency attached by ClinVar (database versions not stated): gnomAD exomes below 0.00001.
gnomAD v4.1: 1 of 1,613,892 alleles (0.000062%); highest among the groups gnomAD compares: Non-Finnish European, 0.000085%; no homozygotes.

Submissions (3):

Labcorp Genetics (formerly Invitae), Labcorp
Classification: Uncertain significance for Von Hippel-Lindau syndrome; Chuvash polycythemia. Last evaluated: 2026-01-20. Review status: criteria provided, single submitter. Criteria: Invitae Variant Classification Sherloc (09022015). Collection method: clinical testing. Allele origin: germline.
Comment: This sequence change replaces isoleucine, which is neutral and non-polar, with valine, which is neutral and non-polar, at codon 151 of the VHL protein (p.Ile151Val). This variant is present in population databases (no rsID available, gnomAD 0.007%). This variant has not been reported in the literature in individuals affected with VHL-related conditions. ClinVar contains an entry for this variant (Variation ID: 857570). Invitae Evidence Modeling of protein sequence and biophysical properties (such as structural, functional, and spatial information, amino acid conservation, physicochemical variation, residue mobility, and thermodynamic stability) indicates that this missense variant is expected to disrupt VHL protein function with a positive predictive value of 95%. This variant disrupts the p.Ile151 amino acid residue in VHL. Other variant(s) that disrupt this residue have been determined to be pathogenic (PMID: 10567493, 11309459, 17024664, 17661816, 28469506). This suggests that this residue is clinically significant, and that variants that disrupt this residue are likely to be disease-causing. In summary, the available evidence is currently insufficient to determine the role of this variant in disease. Therefore, it has been classified as a Variant of Uncertain Significance.

Ambry Genetics
Classification: Likely benign for Hereditary cancer-predisposing syndrome. Last evaluated: 2025-08-26. Review status: criteria provided, single submitter. Criteria: Ambry Variant Classification Scheme 2023. Collection method: clinical testing. Allele origin: germline.

MGZ Medical Genetics Center
Classification: Likely pathogenic for Von Hippel-Lindau syndrome. Last evaluated: 2022-02-25. Review status: criteria provided, single submitter. Criteria: ACMG Guidelines, 2015. Collection method: clinical testing. Allele origin: germline. Affected: yes. Observed: 1 variant allele.
Comment: ACMG criteria applied: PM1, PM5, PM2_SUP, PP3

Literature cited by the submitters: PubMed 10567493 (cited by Labcorp Genetics (formerly Invitae), Labcorp); PubMed 11309459 (cited by Labcorp Genetics (formerly Invitae), Labcorp); PubMed 17024664 (cited by Labcorp Genetics (formerly Invitae), Labcorp); PubMed 17661816 (cited by Labcorp Genetics (formerly Invitae), Labcorp); PubMed 28469506 (cited by Labcorp Genetics (formerly Invitae), Labcorp); PubMed 38969834 (cited by Ambry Genetics).

NM_000551.4(VHL):c.451A>G (p.Ile151Val)

Genes: VHL (von Hippel-Lindau tumor suppressor; plus strand), LOC107303340 (3p25 von Hippel-Lindau tumor suppressor, E3 ubiquitin protein ligase Alu-mediated recombination region; plus strand). Cytogenetic location: 3p25.3.
Variant type: single nucleotide variant.
Coding change: c.451A>G on transcript NM_000551.4 (MANE Select); coding-DNA position 451, A replaced by G.
Protein change: p.Ile151Val; replaces isoleucine 151 with valine.
Molecular consequence: missense variant. On other transcripts: intron variant (2).
Genome position (GRCh38, 1-based): chr3:10,146,624, A>G. VCF-style: chr3-10146624-A-G. GRCh37 (hg19) VCF-style: chr3-10188308-A-G.
Other names: c.*18-3163A>G (NM_001354723.2); c.341-3163A>G (NM_198156.3); short protein forms I151V.
Identifiers: ClinVar variation 857570 (VCV000857570.13), dbSNP rs876659313, ClinGen allele CA351754350.